The following is an entry in ClinVar:

ClinVar aggregate classification (germline): Likely pathogenic (1 of 4 stars; one submission).

Conditions:
Combined oxidative phosphorylation deficiency 39. Identifiers: Orphanet 565624, MedGen C5193075, MONDO:0032726, OMIM 618397.

Allele frequency attached by ClinVar (database versions not stated): gnomAD exomes below 0.00001; TOPMed below 0.00001.

Submission:

3billion
Classification: Likely pathogenic for Combined oxidative phosphorylation deficiency 39. Last evaluated: 2023-02-23. Review status: criteria provided, single submitter. Criteria: ACMG Guidelines, 2015. Collection method: clinical testing. Allele origin: unknown. Affected: yes.
Comment: The variant is not observed in the gnomAD v2.1.1 dataset. This variant was predicted to alter splicing and result in a loss or disruption of normal protein function. Multiple pathogenic loss-of-function variants are reported downstream of the variant. Therefore, this variant is classified as Likely pathogenic according to the recommendation of ACMG/AMP guideline.

NM_032380.5(GFM2):c.304+1G>A

Gene: GFM2 (GTP dependent ribosome recycling factor mitochondrial 2; minus strand). Cytogenetic location: 5q13.3.
Variant type: single nucleotide variant.
Coding change: c.304+1G>A on transcript NM_032380.5 (MANE Select); the canonical splice donor site of the intron after coding-DNA position 304, G replaced by A.
Molecular consequence: splice donor variant.
Genome position (GRCh38, 1-based): chr5:74,758,848, C>T on the plus strand (G>A on the coding strand, the complement: GFM2 is on the minus strand). VCF-style: chr5-74758848-C-T. GRCh37 (hg19) VCF-style: chr5-74054673-C-T.
Other names: c.304+1G>A (NM_170691.3, NM_170681.3); c.400+1G>A (NM_001281302.2).
Identifiers: ClinVar variation 2444250 (VCV002444250.1), dbSNP rs1744128996, ClinGen allele CA360086714.